The following is an entry in ClinVar:

NM_000701.8(ATP1A1):c.1415A>G (p.Glu472Gly)

Genes: ATP1A1 (ATPase Na+/K+ transporting subunit alpha 1; plus strand), ATP1A1-AS1 (ATP1A1 antisense RNA 1; minus strand). Cytogenetic location: 1p13.1.
Variant type: single nucleotide variant.
Coding change: c.1415A>G on transcript NM_000701.8 (MANE Select); coding-DNA position 1415, A replaced by G.
Protein change: p.Glu472Gly; replaces glutamic acid 472 with glycine.
Molecular consequence: missense variant. On other transcripts: non-coding transcript variant (1).
Genome position (GRCh38, 1-based): chr1:116,392,936, A>G. VCF-style: chr1-116392936-A-G. GRCh37 (hg19) VCF-style: chr1-116935558-A-G.
Other names: c.1415A>G, p.Glu472Gly (NM_001160233.2); c.1322A>G, p.Glu441Gly (NM_001160234.2); short protein forms E441G, E472G.
Identifiers: ClinVar variation 2784299 (VCV002784299.2), dbSNP rs934067705, ClinGen allele CA29660322.

ClinVar aggregate classification (germline): Uncertain significance (1 of 4 stars; one submission).

Allele frequency attached by ClinVar (database versions not stated): gnomAD 0.00001; gnomAD exomes 0.00001; TOPMed 0.00002.
gnomAD v4.1: 11 of 1,614,002 alleles (0.00068%); highest among the groups gnomAD compares: Admixed American, 0.0017%; no homozygotes.

Submission:

Labcorp Genetics (formerly Invitae), Labcorp
Classification: Uncertain significance. Last evaluated: 2024-11-19. Review status: criteria provided, single submitter. Criteria: Invitae Variant Classification Sherloc (09022015). Collection method: clinical testing. Allele origin: germline.
Comment: This sequence change replaces glutamic acid, which is acidic and polar, with glycine, which is neutral and non-polar, at codon 472 of the ATP1A1 protein (p.Glu472Gly). This variant is not present in population databases (gnomAD no frequency). This variant has not been reported in the literature in individuals affected with ATP1A1-related conditions. ClinVar contains an entry for this variant (Variation ID: 2784299). Invitae Evidence Modeling of protein sequence and biophysical properties (such as structural, functional, and spatial information, amino acid conservation, physicochemical variation, residue mobility, and thermodynamic stability) indicates that this missense variant is not expected to disrupt ATP1A1 protein function with a negative predictive value of 95%. In summary, the available evidence is currently insufficient to determine the role of this variant in disease. Therefore, it has been classified as a Variant of Uncertain Significance.